The following is an entry in ClinVar:

NM_017514.5(PLXNA3):c.646C>G (p.Leu216Val)

Gene: PLXNA3 (plexin A3; plus strand). Cytogenetic location: Xq28.
Variant type: single nucleotide variant.
Coding change: c.646C>G on transcript NM_017514.5 (MANE Select); coding-DNA position 646, C replaced by G.
Protein change: p.Leu216Val; replaces leucine 216 with valine.
Molecular consequence: missense variant.
Genome position (GRCh38, 1-based): chrX:154,461,150, C>G. VCF-style: chrX-154461150-C-G. GRCh37 (hg19) VCF-style: chrX-153689490-C-G.
Other names: short protein forms L216V.
Identifiers: ClinVar variation 3353478 (VCV003353478.1).

ClinVar aggregate classification (germline): Uncertain significance (0 of 4 stars; one submission).

Conditions:
PLXNA3-related disorder. Also called: PLXNA3-related condition.

gnomAD v4.1: 1 of 1,209,358 alleles (0.000083%); highest among the groups gnomAD compares: Non-Finnish European, 0.00011%; no homozygotes.

Submission:

PreventionGenetics, part of Exact Sciences
Classification: Uncertain significance for PLXNA3-related condition. Last evaluated: 2024-05-04. Review status: no assertion criteria provided. Collection method: clinical testing. Allele origin: germline.
Comment: The PLXNA3 c.646C>G variant is predicted to result in the amino acid substitution p.Leu216Val. To our knowledge, this variant has not been reported in the literature. This variant is reported in 0.0076% of alleles in individuals of African descent in gnomAD. At this time, the clinical significance of this variant is uncertain due to the absence of conclusive functional and genetic evidence.